The following is an entry in ClinVar:

NM_000255.4(MMUT):c.1478A>T (p.Gln493Leu)

Gene: MMUT (methylmalonyl-CoA mutase; minus strand). Cytogenetic location: 6p12.3.
Variant type: single nucleotide variant.
Coding change: c.1478A>T on transcript NM_000255.4 (MANE Select); coding-DNA position 1478, A replaced by T.
Protein change: p.Gln493Leu; replaces glutamine 493 with leucine.
Molecular consequence: missense variant.
Genome position (GRCh38, 1-based): chr6:49,447,752, T>A on the plus strand (A>T on the coding strand, the complement: MMUT is on the minus strand). VCF-style: chr6-49447752-T-A. GRCh37 (hg19) VCF-style: chr6-49415465-T-A.
Other names: short protein forms Q493L.
Identifiers: ClinVar variation 1961267 (VCV001961267.5), dbSNP rs2481326921, ClinGen allele CA364397246.

ClinVar aggregate classification (germline): Uncertain significance (1 of 4 stars; one submission).

Submission:

Labcorp Genetics (formerly Invitae), Labcorp
Classification: Uncertain significance. Last evaluated: 2023-11-27. Review status: criteria provided, single submitter. Criteria: Invitae Variant Classification Sherloc (09022015). Collection method: clinical testing. Allele origin: germline.
Comment: This sequence change replaces glutamine, which is neutral and polar, with leucine, which is neutral and non-polar, at codon 493 of the MUT protein (p.Gln493Leu). This variant is not present in population databases (gnomAD no frequency). This variant has not been reported in the literature in individuals affected with MUT-related conditions. Advanced modeling of protein sequence and biophysical properties (such as structural, functional, and spatial information, amino acid conservation, physicochemical variation, residue mobility, and thermodynamic stability) performed at Invitae indicates that this missense variant is not expected to disrupt MUT protein function with a negative predictive value of 80%. In summary, the available evidence is currently insufficient to determine the role of this variant in disease. Therefore, it has been classified as a Variant of Uncertain Significance.